The following is an entry in ClinVar:

ClinVar aggregate classification (germline): Uncertain significance (1 of 4 stars; one submission).

Conditions:
Purine-nucleoside phosphorylase deficiency. Also called: Immunodeficiency due to purine nucleoside phosphorylase deficiency; NUCLEOSIDE PHOSPHORYLASE DEFICIENCY. Identifiers: Orphanet 760, MedGen C0268125, MONDO:0013171, OMIM 613179.

gnomAD v4.1: 1 of 1,614,190 alleles (0.000062%); highest among the groups gnomAD compares: Non-Finnish European, 0.000085%; no homozygotes.

Submission:

Labcorp Genetics (formerly Invitae), Labcorp
Classification: Uncertain significance for Purine-nucleoside phosphorylase deficiency. Last evaluated: 2024-05-13. Review status: criteria provided, single submitter. Criteria: Invitae Variant Classification Sherloc (09022015). Collection method: clinical testing. Allele origin: germline.
Comment: This sequence change replaces methionine, which is neutral and non-polar, with valine, which is neutral and non-polar, at codon 247 of the PNP protein (p.Met247Val). This variant is not present in population databases (gnomAD no frequency). This variant has not been reported in the literature in individuals affected with PNP-related conditions. Advanced modeling of protein sequence and biophysical properties (such as structural, functional, and spatial information, amino acid conservation, physicochemical variation, residue mobility, and thermodynamic stability) performed at Invitae indicates that this missense variant is not expected to disrupt PNP protein function with a negative predictive value of 80%. In summary, the available evidence is currently insufficient to determine the role of this variant in disease. Therefore, it has been classified as a Variant of Uncertain Significance.

NM_000270.4(PNP):c.739A>G (p.Met247Val)

Gene: PNP (purine nucleoside phosphorylase; plus strand). Cytogenetic location: 14q11.2.
Variant type: single nucleotide variant.
Coding change: c.739A>G on transcript NM_000270.4 (MANE Select); coding-DNA position 739, A replaced by G.
Protein change: p.Met247Val; replaces methionine 247 with valine.
Molecular consequence: missense variant.
Genome position (GRCh38, 1-based): chr14:20,476,470, A>G. VCF-style: chr14-20476470-A-G. GRCh37 (hg19) VCF-style: chr14-20944629-A-G.
Other names: short protein forms M247V.
Identifiers: ClinVar variation 3653235 (VCV003653235.2).
Genomic context (GRCh38, chr14:20,476,470, plus strand): 5'-GTTGCACGGCACTGTGGACTTCGAGTCTTTGGCTTCTCACTCATCACTAACAAGGTCATC[A>G]TGGATTATGAAAGCCTGGAGAAGGCCAACCATGAAGAAGTCTTAGCAGCTGGCAAACAAG-3'
Protein context (NP_000261.2, residues 237-257): GFSLITNKVI[Met247Val]DYESLEKANH